The following is an entry in ClinVar:

ClinVar aggregate classification (germline): Uncertain significance. Review status: criteria provided, multiple submitters, no conflicts (2 of 4 stars). 2 submissions from 2 submitters: Uncertain significance (2). Last evaluated 2022-07-30.

Conditions:
Congenital myasthenic syndrome 8. Also called: Myasthenic syndrome, congenital, 8, with pre- and postsynaptic defects; MYASTHENIC SYNDROME, CONGENITAL, DUE TO AGRIN DEFICIENCY. Identifiers: Orphanet 590, MedGen C3808739, MONDO:0014052, OMIM 615120.

Allele frequency attached by ClinVar (database versions not stated): gnomAD 0.00003; TOPMed 0.00005; gnomAD exomes 0.00007.
gnomAD v4.1: 65 of 1,570,686 alleles (0.0041%); highest among the groups gnomAD compares: South Asian, 0.021%; no homozygotes.

Submissions (2):

Labcorp Genetics (formerly Invitae), Labcorp
Classification: Uncertain significance for Congenital myasthenic syndrome 8. Last evaluated: 2022-07-30. Review status: criteria provided, single submitter. Criteria: Invitae Variant Classification Sherloc (09022015). Collection method: clinical testing. Allele origin: germline.
Comment: This sequence change replaces valine, which is neutral and non-polar, with methionine, which is neutral and non-polar, at codon 1804 of the AGRN protein (p.Val1804Met). This variant is present in population databases (rs754158999, gnomAD 0.03%). This variant has not been reported in the literature in individuals affected with AGRN-related conditions. ClinVar contains an entry for this variant (Variation ID: 575642). Algorithms developed to predict the effect of missense changes on protein structure and function are either unavailable or do not agree on the potential impact of this missense change (SIFT: "Deleterious"; PolyPhen-2: "Possibly Damaging"; Align-GVGD: "Class C0"). In summary, the available evidence is currently insufficient to determine the role of this variant in disease. Therefore, it has been classified as a Variant of Uncertain Significance.

Neuberg Centre For Genomic Medicine, NCGM
Classification: Uncertain significance for Congenital myasthenic syndrome 8. Review status: criteria provided, single submitter. Criteria: ACMG Guidelines, 2015. Collection method: clinical testing. Allele origin: germline. Affected: yes.
Comment: The missense variant p.V1804M in AGRN (NM_198576.4) has not been reported previously as a pathogenic variant nor as a benign variant, to our knowledge. It has been submitted to the ClinVar database as Uncertain Significance. The p.V1804M variant is observed in 7/26,066 (0.0269%) alleles from individuals of South Asian background in gnomAD Exomes and is novel (not in any individuals) in 1000 Genomes. In silico tools predict a damaging effect and the residue is not conserved across species. For these reasons, this variant has been classified as Uncertain Significance

NM_198576.4(AGRN):c.5410G>A (p.Val1804Met)

Gene: AGRN (agrin; plus strand). Cytogenetic location: 1p36.33.
Variant type: single nucleotide variant.
Coding change: c.5410G>A on transcript NM_198576.4 (MANE Select); coding-DNA position 5410, G replaced by A.
Protein change: p.Val1804Met; replaces valine 1804 with methionine.
Molecular consequence: missense variant.
Genome position (GRCh38, 1-based): chr1:1,051,492, G>A. VCF-style: chr1-1051492-G-A. GRCh37 (hg19) VCF-style: chr1-986872-G-A.
Other names: c.5422G>A, p.Val1808Met (NM_001305275.2); c.5107G>A, p.Val1703Met (NM_001364727.2); short protein forms V1804M, V1703M, V1808M.
Identifiers: ClinVar variation 575642 (VCV000575642.9), dbSNP rs754158999, ClinGen allele CA510021.